The following is an entry in ClinVar:

ClinVar aggregate classification (germline): Uncertain significance. Review status: criteria provided, multiple submitters, no conflicts (2 of 4 stars). 2 submissions from 2 submitters: Uncertain significance (2). Last evaluated 2026-01-01.

Conditions:
Neuroblastoma, susceptibility to, 3. Also called: ALK-Related Neuroblastic Tumor Susceptibility. Identifiers: Orphanet 635, MedGen C2751681, MONDO:0013083, OMIM 613014.
Hereditary cancer-predisposing syndrome. Also called: Neoplastic Syndromes, Hereditary; Hereditary neoplastic syndrome; Hereditary Cancer Syndrome; Tumor predisposition. Identifiers: Orphanet 140162, MedGen C0027672, MeSH D009386, MONDO:0015356.

Allele frequency attached by ClinVar (database versions not stated): gnomAD exomes 0.00001; 1000 Genomes Project 0.00020; 1000 Genomes Project 30x 0.00031.
gnomAD v4.1: 6 of 1,598,528 alleles (0.00038%); highest among the groups gnomAD compares: East Asian, 0.013%; no homozygotes.

Submissions (2):

Labcorp Genetics (formerly Invitae), Labcorp
Classification: Uncertain significance for Neuroblastoma, susceptibility to, 3. Last evaluated: 2026-01-01. Review status: criteria provided, single submitter. Criteria: Invitae Variant Classification Sherloc (09022015). Collection method: clinical testing. Allele origin: germline.
Comment: This sequence change replaces glutamine, which is neutral and polar, with arginine, which is basic and polar, at codon 1429 of the ALK protein (p.Gln1429Arg). This variant is present in population databases (rs55906201, gnomAD 0.006%). This variant has not been reported in the literature in individuals affected with ALK-related conditions. ClinVar contains an entry for this variant (Variation ID: 947672). An algorithm developed to predict the effect of missense changes on protein structure and function (PolyPhen-2) suggests that this variant is likely to be tolerated. In summary, the available evidence is currently insufficient to determine the role of this variant in disease. Therefore, it has been classified as a Variant of Uncertain Significance.

Ambry Genetics
Classification: Uncertain significance for Hereditary cancer-predisposing syndrome. Last evaluated: 2024-12-12. Review status: criteria provided, single submitter. Criteria: Ambry Variant Classification Scheme 2023. Collection method: clinical testing. Allele origin: germline.
Comment: The p.Q1429R variant (also known as c.4286A>G), located in coding exon 29 of the ALK gene, results from an A to G substitution at nucleotide position 4286. The glutamine at codon 1429 is replaced by arginine, an amino acid with highly similar properties. This amino acid position is conserved. In addition, this alteration is predicted to be tolerated by in silico analysis. Based on the available evidence, the clinical significance of this variant remains unclear.

NM_004304.5(ALK):c.4286A>G (p.Gln1429Arg)

Gene: ALK (ALK receptor tyrosine kinase; minus strand). Cytogenetic location: 2p23.2.
Variant type: single nucleotide variant.
Coding change: c.4286A>G on transcript NM_004304.5 (MANE Select); coding-DNA position 4286, A replaced by G.
Protein change: p.Gln1429Arg; replaces glutamine 1429 with arginine.
Molecular consequence: missense variant.
Genome position (GRCh38, 1-based): chr2:29,193,801, T>C on the plus strand (A>G on the coding strand, the complement: ALK is on the minus strand). VCF-style: chr2-29193801-T-C. GRCh37 (hg19) VCF-style: chr2-29416667-T-C.
Other names: c.1082A>G, p.Gln361Arg (NM_001353765.2); short protein forms Q1429R, Q361R.
Identifiers: ClinVar variation 947672 (VCV000947672.10), dbSNP rs55906201, ClinGen allele CA44635188.